The following is an entry in ClinVar:

NM_001099274.3(TINF2):c.144_145insTT (p.Val49fs)

Genes: TINF2 (TERF1 interacting nuclear factor 2; minus strand), LOC130055403 (ATAC-STARR-seq lymphoblastoid active region 8199; plus strand). Cytogenetic location: 14q12.
Variant type: Insertion.
Coding change: c.144_145insTT on transcript NM_001099274.3 (MANE Select); coding-DNA positions 144 to 145, TT inserted.
Protein change: p.Val49fs; shifts the reading frame from valine 49.
Molecular consequence: frameshift variant.
Genome position: GRCh38 VCF-style: chr14-24242188-C-CAA. GRCh37 (hg19) VCF-style: chr14-24711394-C-CAA.
Other names: c.144_145insTT, p.Val49fs (NM_001363668.2, NM_012461.3); short protein forms V49fs.
Identifiers: ClinVar variation 1431261 (VCV001431261.6), dbSNP rs1334044756, ClinGen allele CA704342143.

ClinVar aggregate classification (germline): Uncertain significance (1 of 4 stars; one submission).

Conditions:
Dyskeratosis congenita. Identifiers: Orphanet 1775, MedGen C0265965, MONDO:0015780.

Allele frequency attached by ClinVar (database versions not stated): gnomAD 0.00001; TOPMed 0.00001.

Submission:

Labcorp Genetics (formerly Invitae), Labcorp
Classification: Uncertain significance for Dyskeratosis congenita. Last evaluated: 2022-07-11. Review status: criteria provided, single submitter. Criteria: Invitae Variant Classification Sherloc (09022015). Collection method: clinical testing. Allele origin: germline.
Comment: In summary, the available evidence is currently insufficient to determine the role of this variant in disease. Therefore, it has been classified as a Variant of Uncertain Significance. ClinVar contains an entry for this variant (Variation ID: 1431261). This variant has not been reported in the literature in individuals affected with TINF2-related conditions. This variant is not present in population databases (gnomAD no frequency). This sequence change creates a premature translational stop signal (p.Val49Leufs*14) in the TINF2 gene. It is expected to result in an absent or disrupted protein product. However, the current clinical and genetic evidence is not sufficient to establish whether loss-of-function variants in TINF2 cause disease.